The following is an entry in ClinVar:

NM_004608.4(TBX6):c.434C>T (p.Pro145Leu)

Gene: TBX6 (T-box transcription factor 6; minus strand). Cytogenetic location: 16p11.2.
Variant type: single nucleotide variant.
Coding change: c.434C>T on transcript NM_004608.4 (MANE Select); coding-DNA position 434, C replaced by T.
Protein change: p.Pro145Leu; replaces proline 145 with leucine.
Molecular consequence: missense variant.
Genome position (GRCh38, 1-based): chr16:30,089,130, G>A on the plus strand (C>T on the coding strand, the complement: TBX6 is on the minus strand). VCF-style: chr16-30089130-G-A. GRCh37 (hg19) VCF-style: chr16-30100451-G-A.
Other names: short protein forms P145L.
Identifiers: ClinVar variation 188056 (VCV000188056.15), dbSNP rs202193096, ClinGen allele CA198674.

ClinVar aggregate classification (germline): Conflicting classifications of pathogenicity. Review status: criteria provided, conflicting classifications (1 of 4 stars). 5 submissions from 5 submitters: Likely pathogenic (2); Uncertain significance (2). 1 of the submissions does not count toward it. Last evaluated 2025-10-17.

Conditions:
Scoliosis. Identifiers: MedGen C0036439, MONDO:0005392, HP:0002650.
Spondylocostal dysostosis 5 (SCDO5). Also called: SCOLIOSIS, CONGENITAL, WITH OR WITHOUT RIB ANOMALIES. Identifiers: MedGen C4083048, MONDO:0007389, OMIM 122600.

Allele frequency attached by ClinVar (database versions not stated): gnomAD 0.00010 and 0.00011; gnomAD exomes 0.00010 and 0.00022; ESP Exome Variant Server 0.00015; TOPMed 0.00016; ExAC 0.00021.

Submissions (5):

Labcorp Genetics (formerly Invitae), Labcorp
Classification: Uncertain significance. Last evaluated: 2025-10-17. Review status: criteria provided, single submitter. Criteria: Invitae Variant Classification Sherloc (09022015). Collection method: clinical testing. Allele origin: germline.
Comment: This sequence change replaces proline, which is neutral and non-polar, with leucine, which is neutral and non-polar, at codon 145 of the TBX6 protein (p.Pro145Leu). This variant is present in population databases (rs202193096, gnomAD 0.1%), and has an allele count higher than expected for a pathogenic variant. This missense change has been observed in individual(s) with congenital scoliosis (PMID: 25564734, 31471994). ClinVar contains an entry for this variant (Variation ID: 188056). Invitae Evidence Modeling of protein sequence and biophysical properties (such as structural, functional, and spatial information, amino acid conservation, physicochemical variation, residue mobility, and thermodynamic stability) indicates that this missense variant is not expected to disrupt TBX6 protein function with a negative predictive value of 80%. Experimental studies are conflicting or provide insufficient evidence to determine the effect of this variant on TBX6 function (PMID: 28054739, 31015262). In summary, the available evidence is currently insufficient to determine the role of this variant in disease. Therefore, it has been classified as a Variant of Uncertain Significance.

Genetics and Genomic Medicine Centre, NeuroGen Healthcare, NeuroGen Healthcare
Classification: Likely pathogenic for Spondylocostal dysostosis 5. Last evaluated: 2022-03-31. Review status: criteria provided, single submitter. Criteria: Submitter's publication. Collection method: clinical testing. Allele origin: unknown. Affected: no.

Beijing Key Laboratory for Genetic Research of Skeletal Deformity, Peking Union Medical College Hospital
Classification: Likely pathogenic for scoliosis. Last evaluated: 2019-08-01. Review status: criteria provided, single submitter. Criteria: ACMG Guidelines, 2015. Collection method: research. Allele origin: germline. Affected: yes. Observed: 5 variant alleles.
Comment: This variant in trans with hypomorphic TBX6 allele may contribute to congenital scoliosis development

Juno Genomics, Hangzhou Juno Genomics, Inc
Classification: Uncertain significance for Spondylocostal dysostosis 5. Review status: criteria provided, single submitter. Criteria: ACMG Guidelines, 2015. Collection method: clinical testing. Allele origin: germline.
Comment: Multiple lines of computational evidence support a deleterious effect on the gene or gene product.;For recessive disorders, detected in trans with a pathogenic variant.

OMIM
Classification: Pathogenic for SPONDYLOCOSTAL DYSOSTOSIS 5. Last evaluated: 2015-01-22. Review status: no assertion criteria provided. Collection method: literature only. Allele origin: germline. Not counted in ClinVar's aggregate classification.

Literature cited by the submitters: PubMed 25564734 (cited by 3 submitters); PubMed 31471994 (cited by Labcorp Genetics (formerly Invitae), Labcorp); PubMed 28054739 (cited by Labcorp Genetics (formerly Invitae), Labcorp); PubMed 31015262 (cited by Labcorp Genetics (formerly Invitae), Labcorp).